The following is an entry in ClinVar:

NM_001267550.2(TTN):c.98623C>T (p.Gln32875Ter)

Genes: TTN-AS1 (TTN antisense RNA 1; plus strand), TTN (titin; minus strand). Cytogenetic location: 2q31.2.
Variant type: single nucleotide variant.
Coding change: c.98623C>T on transcript NM_001267550.2 (MANE Select); coding-DNA position 98623, C replaced by T.
Protein change: p.Gln32875Ter; replaces glutamine 32875 with a stop codon.
Molecular consequence: nonsense. On other transcripts: non-coding transcript variant (1).
Genome position (GRCh38, 1-based): chr2:178,539,442, G>A on the plus strand (C>T on the coding strand, the complement: TTN is on the minus strand). VCF-style: chr2-178539442-G-A. GRCh37 (hg19) VCF-style: chr2-179404169-G-A.
Other names: c.93700C>T, p.Gln31234Ter (NM_001256850.1); c.71428C>T, p.Gln23810Ter (NM_003319.4); c.90919C>T, p.Gln30307Ter (NM_133378.4); c.71803C>T, p.Gln23935Ter (NM_133432.3); c.72004C>T, p.Gln24002Ter (NM_133437.4); short protein forms Q23810*, Q32875*, Q30307*, Q23935*, Q24002*, Q31234*.
Identifiers: ClinVar variation 948752 (VCV000948752.2), dbSNP rs1693309648, ClinGen allele CA349431991.

ClinVar aggregate classification (germline): Likely pathogenic (1 of 4 stars; one submission).

Conditions:
Autosomal recessive limb-girdle muscular dystrophy type 2J (LGMDR10). Also called: Limb-girdle muscular dystrophy, type 2J; MUSCULAR DYSTROPHY, LIMB-GIRDLE, AUTOSOMAL RECESSIVE 10. Identifiers: Orphanet 140922, MedGen C1837342, MONDO:0012127, OMIM 608807.
Dilated cardiomyopathy 1G (CMD1G). Identifiers: Orphanet 154, MedGen C1858763, MONDO:0011400, OMIM 604145.

Submission:

Labcorp Genetics (formerly Invitae), Labcorp
Classification: Likely pathogenic for Dilated cardiomyopathy 1G; Autosomal recessive limb-girdle muscular dystrophy type 2J. Last evaluated: 2025-08-24. Review status: criteria provided, single submitter. Criteria: Invitae Variant Classification Sherloc (09022015). Collection method: clinical testing. Allele origin: germline.
Comment: This sequence change creates a premature translational stop signal (p.Gln32875*) in the TTN gene. While this is not anticipated to result in nonsense mediated decay, it is expected to create a truncated TTN protein. This variant is not present in population databases (gnomAD no frequency). This variant has not been reported in the literature in individuals affected with TTN-related conditions. ClinVar contains an entry for this variant (Variation ID: 948752). Algorithms developed to predict the effect of sequence changes on RNA splicing suggest that this variant may disrupt the consensus splice site. This variant is located in the A band of TTN (PMID: 25589632). Truncating variants in this region are significantly overrepresented in patients affected with dilated cardiomyopathy (PMID: 25589632). Truncating variants in this region have also been reported in individuals affected with autosomal recessive centronuclear myopathy (PMID: 23975875). In summary, the currently available evidence indicates that the variant is pathogenic, but additional data are needed to prove that conclusively. Therefore, this variant has been classified as Likely Pathogenic.

Literature cited by the submitters: PubMed 25589632; PubMed 23975875.